The following is an entry in ClinVar:

NM_001204.7(BMPR2):c.1964G>A (p.Cys655Tyr)

Gene: BMPR2 (bone morphogenetic protein receptor type 2; plus strand). Cytogenetic location: 2q33.2.
Variant type: single nucleotide variant.
Coding change: c.1964G>A on transcript NM_001204.7 (MANE Select); coding-DNA position 1964, G replaced by A.
Protein change: p.Cys655Tyr; replaces cysteine 655 with tyrosine.
Molecular consequence: missense variant.
Genome position (GRCh38, 1-based): chr2:202,555,629, G>A. VCF-style: chr2-202555629-G-A. GRCh37 (hg19) VCF-style: chr2-203420352-G-A.
Other names: short protein forms C655Y.
Identifiers: ClinVar variation 4598056 (VCV004598056.1).
Genomic context (GRCh38, chr2:202,555,629, plus strand): 5'-CAGATGAAACAAATCTGCATACCACAAATGTTGCACAGTCAATTGGGCCAACCCCTGTCT[G>A]CTTACAGCTGACAGAAGAAGACTTGGAAACCAACAAGCTAGACCCAAAAGAAGTTGATAA-3'
Protein context (NP_001195.2, residues 645-665): VAQSIGPTPV[Cys655Tyr]LQLTEEDLET

ClinVar aggregate classification (germline): Uncertain significance (1 of 4 stars; one submission).

Conditions:
Inborn genetic diseases. Identifiers: MedGen C0950123, MeSH D030342.

Submission:

Ambry Genetics
Classification: Uncertain significance for Inborn genetic diseases. Last evaluated: 2025-12-04. Review status: criteria provided, single submitter. Criteria: Ambry Variant Classification Scheme 2023. Collection method: clinical testing. Allele origin: germline.
Comment: The p.C655Y variant (also known as c.1964G>A), located in coding exon 12 of the BMPR2 gene, results from a G to A substitution at nucleotide position 1964. The cysteine at codon 655 is replaced by tyrosine, an amino acid with highly dissimilar properties. This amino acid position is conserved. In addition, this alteration is predicted to be deleterious by in silico analysis. Based on the available evidence, the clinical significance of this variant remains unclear.